The following is an entry in ClinVar:

NM_014319.5(LEMD3):c.1208C>G (p.Pro403Arg)

Gene: LEMD3 (LEM domain containing 3; plus strand). Cytogenetic location: 12q14.3.
Variant type: single nucleotide variant.
Coding change: c.1208C>G on transcript NM_014319.5 (MANE Select); coding-DNA position 1208, C replaced by G.
Protein change: p.Pro403Arg; replaces proline 403 with arginine.
Molecular consequence: missense variant.
Genome position (GRCh38, 1-based): chr12:65,170,804, C>G. VCF-style: chr12-65170804-C-G. GRCh37 (hg19) VCF-style: chr12-65564584-C-G.
Other names: c.1208C>G, p.Pro403Arg (NM_001167614.2); short protein forms P403R.
Identifiers: ClinVar variation 2972329 (VCV002972329.3), dbSNP rs928200603, ClinGen allele CA238907744.

ClinVar aggregate classification (germline): Uncertain significance (1 of 4 stars; one submission).

Allele frequency attached by ClinVar (database versions not stated): gnomAD 0.00001.
gnomAD v4.1: 3 of 1,614,088 alleles (0.00019%); highest among the groups gnomAD compares: African/African-American, 0.0027%; no homozygotes.

Submission:

Labcorp Genetics (formerly Invitae), Labcorp
Classification: Uncertain significance. Last evaluated: 2023-08-10. Review status: criteria provided, single submitter. Criteria: Invitae Variant Classification Sherloc (09022015). Collection method: clinical testing. Allele origin: germline.
Comment: In summary, the available evidence is currently insufficient to determine the role of this variant in disease. Therefore, it has been classified as a Variant of Uncertain Significance. Advanced modeling of protein sequence and biophysical properties (such as structural, functional, and spatial information, amino acid conservation, physicochemical variation, residue mobility, and thermodynamic stability) performed at Invitae indicates that this missense variant is not expected to disrupt LEMD3 protein function. This variant has not been reported in the literature in individuals affected with LEMD3-related conditions. This variant is present in population databases (no rsID available, gnomAD 0.008%). This sequence change replaces proline, which is neutral and non-polar, with arginine, which is basic and polar, at codon 403 of the LEMD3 protein (p.Pro403Arg).